The following is an entry in ClinVar:

ClinVar aggregate classification (germline): Uncertain significance (1 of 4 stars; one submission).

Allele frequency attached by ClinVar (database versions not stated): gnomAD 0.00001.
gnomAD v4.1: 1 of 1,593,646 alleles (0.000063%); highest among the groups gnomAD compares: African/African-American, 0.0013%; no homozygotes.

Submission:

Labcorp Genetics (formerly Invitae), Labcorp
Classification: Uncertain significance. Last evaluated: 2023-06-03. Review status: criteria provided, single submitter. Criteria: Invitae Variant Classification Sherloc (09022015). Collection method: clinical testing. Allele origin: germline.
Comment: In summary, the available evidence is currently insufficient to determine the role of this variant in disease. Therefore, it has been classified as a Variant of Uncertain Significance. An algorithm developed to predict the effect of missense changes on protein structure and function (PolyPhen-2) suggests that this variant is likely to be tolerated. This variant has not been reported in the literature in individuals affected with BCL11B-related conditions. This variant is not present in population databases (gnomAD no frequency). This sequence change replaces alanine, which is neutral and non-polar, with serine, which is neutral and polar, at codon 606 of the BCL11B protein (p.Ala606Ser).

NM_138576.4(BCL11B):c.1816G>T (p.Ala606Ser)

Gene: BCL11B (BCL11 transcription factor B; minus strand). Cytogenetic location: 14q32.2.
Variant type: single nucleotide variant.
Coding change: c.1816G>T on transcript NM_138576.4 (MANE Select); coding-DNA position 1816, G replaced by T.
Protein change: p.Ala606Ser; replaces alanine 606 with serine.
Molecular consequence: missense variant.
Genome position (GRCh38, 1-based): chr14:99,175,020, C>A on the plus strand (G>T on the coding strand, the complement: BCL11B is on the minus strand). VCF-style: chr14-99175020-C-A. GRCh37 (hg19) VCF-style: chr14-99641357-C-A.
Other names: c.1813G>T, p.Ala605Ser (NM_001282237.2); c.1600G>T, p.Ala534Ser (NM_001282238.2); c.1603G>T, p.Ala535Ser (NM_022898.3); short protein forms A535S, A605S, A534S, A606S.
Identifiers: ClinVar variation 2757688 (VCV002757688.3), dbSNP rs762756917, ClinGen allele CA390934551.